The following is an entry in ClinVar:

NM_000256.3(MYBPC3):c.2533C>A (p.Arg845Ser)

Gene: MYBPC3 (myosin binding protein C3; minus strand). Cytogenetic location: 11p11.2.
Variant type: single nucleotide variant.
Coding change: c.2533C>A on transcript NM_000256.3 (MANE Select); coding-DNA position 2533, C replaced by A.
Protein change: p.Arg845Ser; replaces arginine 845 with serine.
Molecular consequence: missense variant.
Genome position (GRCh38, 1-based): chr11:47,337,460, G>T on the plus strand (C>A on the coding strand, the complement: MYBPC3 is on the minus strand). VCF-style: chr11-47337460-G-T. GRCh37 (hg19) VCF-style: chr11-47359011-G-T.
Other names: short protein forms R845S.
Identifiers: ClinVar variation 810758 (VCV000810758.3), dbSNP rs727504345, ClinGen allele CA380318171.

ClinVar aggregate classification (germline): Conflicting classifications of pathogenicity. Review status: criteria provided, conflicting classifications (1 of 4 stars). 3 submissions from 3 submitters: Likely pathogenic (1); Uncertain significance (2). Last evaluated 2025-09-14.

Conditions:
MYBPC3-related disorder. Also called: MYBPC3-related condition; MYBPC3-related disease; MYBPC3-related disorders.
Hypertrophic cardiomyopathy 4. Also called: Familial hypertrophic cardiomyopathy 4. Identifiers: MedGen C1861862, MONDO:0007268, OMIM 115197.
Hypertrophic cardiomyopathy. Also called: HYPERTROPHIC MYOCARDIOPATHY. Identifiers: Orphanet 217569, MedGen C0007194, MeSH D002312, MONDO:0005045, HP:0001639.

Submissions (3):

Labcorp Genetics (formerly Invitae), Labcorp
Classification: Uncertain significance for Hypertrophic cardiomyopathy. Last evaluated: 2025-09-14. Review status: criteria provided, single submitter. Criteria: Invitae Variant Classification Sherloc (09022015). Collection method: clinical testing. Allele origin: germline.
Comment: This sequence change replaces arginine, which is basic and polar, with serine, which is neutral and polar, at codon 845 of the MYBPC3 protein (p.Arg845Ser). This variant is not present in population databases (gnomAD no frequency). This missense change has been observed in individuals with hypertrophic cardiomyopathy (PMID: 28615295, 33782553). ClinVar contains an entry for this variant (Variation ID: 810758). An algorithm developed to predict the effect of missense changes on protein structure and function (PolyPhen-2) suggests that this variant is likely to be disruptive. In summary, the available evidence is currently insufficient to determine the role of this variant in disease. Therefore, it has been classified as a Variant of Uncertain Significance.

Blueprint Genetics
Classification: Likely pathogenic for MYBPC3-related disorders. Last evaluated: 2023-03-03. Review status: criteria provided, single submitter. Criteria: ACMG Guidelines, 2015. Collection method: clinical testing. Allele origin: germline. Affected: yes. Observed: 1 variant allele.

Agnes Ginges Centre for Molecular Cardiology, Centenary Institute
Classification: Uncertain significance for Hypertrophic cardiomyopathy 4. Last evaluated: 2018-10-15. Review status: criteria provided, single submitter. Criteria: ACMG Guidelines, 2015. Collection method: research. Allele origin: germline. Inheritance: Autosomal dominant inheritance. Affected: yes.
Comment: The MYBPC3 Arg845Ser is absent from the Genome Aggregation Database. In silico tools SIFT, PolyPhen2 and MutationTaster predict that this variant is deleterious. In summary, based on rarity in the general population and in silico tools in support of a deleterious role, we classify MYBPC3 Arg845Ser as a variant of "uncertain significance".

Literature cited by the submitters: PubMed 28615295 (cited by Labcorp Genetics (formerly Invitae), Labcorp and Agnes Ginges Centre for Molecular Cardiology, Centenary Institute); PubMed 33782553 (cited by Labcorp Genetics (formerly Invitae), Labcorp); PubMed 28408708 (cited by Agnes Ginges Centre for Molecular Cardiology, Centenary Institute).